The following is an entry in ClinVar:

NM_022455.5(NSD1):c.2998del (p.Ser1000fs)

Gene: NSD1 (nuclear receptor binding SET domain protein 1; plus strand). Cytogenetic location: 5q35.3.
Variant type: Deletion.
Coding change: c.2998del on transcript NM_022455.5 (MANE Select); coding-DNA position 2998, one base deleted (T; older notation c.2998delT).
Protein change: p.Ser1000fs; shifts the reading frame from serine 1000.
Molecular consequence: frameshift variant.
Genome position (GRCh38, 1-based): chr5:177,211,397, T deleted. VCF-style (leftmost placement, unchanged base first): chr5-177211396-GT-G. GRCh37 (hg19) VCF-style: chr5-176638397-GT-G.
Other names: c.2125delT, p.Ser709Profs (NM_001365684.2, NM_001409306.1, NM_001409307.1 and 3 more transcripts); c.2998delT, p.Ser1000Profs (NM_001409301.1, NM_001409302.1, NM_001409303.1); c.2578delT, p.Ser860Profs (NM_001409304.1); c.2245delT, p.Ser749Profs (NM_001409305.1); short protein forms S1000fs, S731fs.
Identifiers: ClinVar variation 817122 (VCV000817122.1), dbSNP rs1581323431, ClinGen allele CA915942726.

ClinVar aggregate classification (germline): Pathogenic (1 of 4 stars; one submission).

Submission:

GeneDx
Classification: Pathogenic. Last evaluated: 2018-06-21. Review status: criteria provided, single submitter. Criteria: GeneDx Variant Classification (06012015). Collection method: clinical testing. Allele origin: germline. Affected: yes.
Comment: The c.2998delT pathogenic variant in the NSD1 gene causes a frameshift starting with codon Serine 1000, changes this amino acid to a Proline residue and creates a premature Stop codon at position 40 of the new reading frame, denoted p.Ser1000ProfsX40. This pathogenic variant is predicted to cause loss of normal protein function either through protein truncation or nonsense-mediated mRNA decay. The c.2998delT variant is not observed in large population cohorts (Lek et al., 2016).